The following is an entry in ClinVar:

NM_001287491.2(TET3):c.4266G>C (p.Leu1422=)

Gene: TET3 (tet methylcytosine dioxygenase 3; plus strand). Cytogenetic location: 2p13.1.
Variant type: single nucleotide variant.
Coding change: c.4266G>C on transcript NM_001287491.2 (MANE Select); coding-DNA position 4266, G replaced by C.
Protein change: p.Leu1422=; no amino-acid change (leucine 1422 retained).
Molecular consequence: synonymous variant.
Genome position (GRCh38, 1-based): chr2:74,101,054, G>C. VCF-style: chr2-74101054-G-C. GRCh37 (hg19) VCF-style: chr2-74328181-G-C.
Other names: c.3987G>C, p.Leu1329= (NM_001366022.1).
Identifiers: ClinVar variation 3257080 (VCV003257080.17).

ClinVar aggregate classification (germline): Likely benign (1 of 4 stars; one submission).

gnomAD v4.1: 13 of 1,612,794 alleles (0.00081%); highest among the groups gnomAD compares: Middle Eastern, 0.049%; no homozygotes.

Submission:

CeGaT Center for Human Genetics Tuebingen
Classification: Likely benign. Last evaluated: 2024-07-01. Review status: criteria provided, single submitter. Criteria: CeGaT Center For Human Genetics Tuebingen Variant Classification Criteria Version 2. Collection method: clinical testing. Allele origin: germline. Affected: yes. Observed: 1 variant allele.
Comment: TET3: BP4, BP7